The following is an entry in ClinVar:

NM_020159.5(SMARCAD1):c.2210G>A (p.Arg737Gln)

Gene: SMARCAD1 (SNF2 related chromatin remodeling ATPase with DExD box 1; plus strand). Cytogenetic location: 4q22.3.
Variant type: single nucleotide variant.
Coding change: c.2210G>A on transcript NM_020159.5 (MANE Select); coding-DNA position 2210, G replaced by A.
Protein change: p.Arg737Gln; replaces arginine 737 with glutamine.
Molecular consequence: missense variant. On other transcripts: non-coding transcript variant (17).
Genome position (GRCh38, 1-based): chr4:94,278,647, G>A. VCF-style: chr4-94278647-G-A. GRCh37 (hg19) VCF-style: chr4-95199798-G-A.
Other names: c.2210G>A, p.Arg737Gln (NM_001128429.3, NM_001128430.2, NM_001375855.1 and 1 more transcripts); c.920G>A, p.Arg307Gln (NM_001254949.2, NM_001375859.1); c.2207G>A, p.Arg736Gln (NM_001375857.1); c.2189G>A, p.Arg730Gln (NM_001375858.1); short protein forms R307Q, R730Q, R736Q, R737Q.
Identifiers: ClinVar variation 3356134 (VCV003356134.1).

ClinVar aggregate classification (germline): Uncertain significance (0 of 4 stars; one submission).

Conditions:
SMARCAD1-related disorder. Also called: SMARCAD1-related condition.

gnomAD v4.1: 9 of 1,613,902 alleles (0.00056%); highest among the groups gnomAD compares: South Asian, 0.0011%; no homozygotes.

Submission:

PreventionGenetics, part of Exact Sciences
Classification: Uncertain significance for SMARCAD1-related condition. Last evaluated: 2024-07-22. Review status: no assertion criteria provided. Collection method: clinical testing. Allele origin: germline.
Comment: The SMARCAD1 c.2210G>A variant is predicted to result in the amino acid substitution p.Arg737Gln. To our knowledge, this variant has not been reported in the literature. This variant is reported in 0.00088% of alleles in individuals of European (Non-Finnish) descent in gnomAD. At this time, the clinical significance of this variant is uncertain due to the absence of conclusive functional and genetic evidence.